The following is an entry in ClinVar:

NM_000384.3(APOB):c.948_953del (p.Ser317_Pro318del)

Gene: APOB (apolipoprotein B; minus strand). Cytogenetic location: 2p24.1.
Variant type: Deletion.
Coding change: c.948_953del on transcript NM_000384.3 (MANE Select); coding-DNA positions 948 to 953, 6 bases deleted (ATCACC; older notation c.948_953delATCACC).
Protein change: p.Ser317_Pro318del.
Molecular consequence: inframe deletion.
Genome position (GRCh38, 1-based): chr2:21,033,470-21,033,475, GGTGAT deleted on the plus strand (ATCACC on the coding strand, the reverse complement: APOB is on the minus strand); deleting any 6 consecutive bases within chr2:21,033,470-21,033,476 gives the same sequence; the c. name uses the placement nearest the transcript's 3' end. VCF-style (leftmost placement, unchanged base first): chr2-21033469-AGGTGAT-A. GRCh37 (hg19) VCF-style: chr2-21256341-AGGTGAT-A.
Identifiers: ClinVar variation 3758529 (VCV003758529.2).
Genomic context (GRCh38, chr2:21,033,469, plus strand): 5'-AGAGATGGTTAGTTTTTTCAGTTCCTGGAGAGTCTTCAAAACAGCTTCGGCCTGCTTTGG[AGGTGAT>A]GTGGATTTGGTGCTCTCAAATGCGAGGCCCATCTTCTTAGTACCTGGAAGATGGAAAGTG-3'

ClinVar aggregate classification (germline): Uncertain significance (1 of 4 stars; one submission).

Conditions:
Familial hypobetalipoproteinemia 1. Also called: APOB-Related Familial Hypobetalipoproteinemia; Hypobetalipoproteinemia, normotriglyceridemic; Acanthocytosis with hypobetalipoproteinemia. Identifiers: MedGen C4551990, MONDO:0014252, OMIM 615558.
Hypercholesterolemia, autosomal dominant, type B (FHCL2). Also called: Familial Hypercholesterolemia Type B; APOLIPOPROTEIN B-100, FAMILIAL DEFECTIVE; APOLIPOPROTEIN B-100, FAMILIAL LIGAND-DEFECTIVE; HYPERCHOLESTEROLEMIA, FAMILIAL, DUE TO LIGAND-DEFECTIVE APOLIPOPROTEIN B; Hyperlipoproteinemia Type IIb; Familial hypercholesterolemia 2. Identifiers: MedGen C1704417, MONDO:0007751, OMIM 144010.

Submission:

Labcorp Genetics (formerly Invitae), Labcorp
Classification: Uncertain significance for Familial hypobetalipoproteinemia 1; Hypercholesterolemia, autosomal dominant, type B. Last evaluated: 2024-09-10. Review status: criteria provided, single submitter. Criteria: Invitae Variant Classification Sherloc (09022015). Collection method: clinical testing. Allele origin: germline.
Comment: This variant, c.948_953del, results in the deletion of 2 amino acid(s) of the APOB protein (p.Ser317_Pro318del), but otherwise preserves the integrity of the reading frame. This variant is not present in population databases (gnomAD no frequency). This variant has not been reported in the literature in individuals affected with APOB-related conditions. Experimental studies and prediction algorithms are not available or were not evaluated, and the functional significance of this variant is currently unknown. In summary, the available evidence is currently insufficient to determine the role of this variant in disease. Therefore, it has been classified as a Variant of Uncertain Significance.